The following is an entry in ClinVar:

NM_000352.6(ABCC8):c.3654T>C (p.Tyr1218=)

Gene: ABCC8 (ATP binding cassette subfamily C member 8; minus strand). Cytogenetic location: 11p15.1.
Variant type: single nucleotide variant.
Coding change: c.3654T>C on transcript NM_000352.6 (MANE Select); coding-DNA position 3654, T replaced by C.
Protein change: p.Tyr1218=; no amino-acid change (tyrosine 1218 retained).
Molecular consequence: synonymous variant. On other transcripts: non-coding transcript variant (1).
Genome position (GRCh38, 1-based): chr11:17,398,438, A>G on the plus strand (T>C on the coding strand, the complement: ABCC8 is on the minus strand). VCF-style: chr11-17398438-A-G. GRCh37 (hg19) VCF-style: chr11-17419985-A-G.
Other names: c.3657T>C, p.Tyr1219= (NM_001287174.3); c.3720T>C, p.Tyr1240= (NM_001351295.2); c.3654T>C, p.Tyr1218= (NM_001351296.2); c.3651T>C, p.Tyr1217= (NM_001351297.2).
Identifiers: ClinVar variation 989962 (VCV000989962.10), dbSNP rs769968875, ClinGen allele CA5902735.

ClinVar aggregate classification (germline): Conflicting classifications of pathogenicity. Review status: criteria provided, conflicting classifications (1 of 4 stars). 4 submissions from 3 submitters: Uncertain significance (2); Likely benign (1). 1 of the submissions does not count toward it. Last evaluated 2025-12-30.

Conditions:
Maturity-onset diabetes of the young (MODY). Also called: Maturity onset diabetes mellitus in young. Identifiers: Orphanet 552, MedGen C0342276, MONDO:0018911, HP:0004904.
Transitory neonatal diabetes mellitus. Also called: Transient neonatal diabetes mellitus. Identifiers: MedGen C0342273, MONDO:0020525, HP:0008255.
Hereditary hyperinsulinism.

Allele frequency attached by ClinVar (database versions not stated): gnomAD exomes below 0.00001; ExAC 0.00001; gnomAD 0.00001; TOPMed 0.00001.
gnomAD v4.1: 3 of 1,613,942 alleles (0.00019%); highest among the groups gnomAD compares: African/African-American, 0.004%; no homozygotes.

Submissions (4):

Labcorp Genetics (formerly Invitae), Labcorp
Classification: Likely benign. Last evaluated: 2025-12-30. Review status: criteria provided, single submitter. Criteria: Invitae Variant Classification Sherloc (09022015). Collection method: clinical testing. Allele origin: germline.

Clinical Genomics, Uppaluri K&H Personalized Medicine Clinic
Classification: Uncertain significance for Maturity-onset diabetes of the young. Review status: criteria provided, single submitter. Criteria: K & H Uppaluri Personalized Medicine Clinic Variant Classification & Assertion Criteria_Updated V.1. Collection method: research. Allele origin: somatic. Inheritance: Somatic mutation.
Comment: Mutations in ABCC8 gene are associated with both neonatal diabetes mellitus as well as MODY. Patients with this mutation may have a better response to sulfonylureas. However, no sufficient evidence is found to ascertain the role of this particular variant (rs769968875) in MODY yet.

Clinical Genomics, Uppaluri K&H Personalized Medicine Clinic
Classification: Uncertain significance for Transitory neonatal diabetes mellitus. Review status: criteria provided, single submitter. Criteria: K & H Uppaluri Personalized Medicine Clinic Variant Classification & Assertion Criteria_Updated V.1. Collection method: research. Allele origin: somatic. Inheritance: Somatic mutation.
Comment: Mutations in ABCC8 gene are associated with both neonatal diabetes mellitus as well as MODY. Patients with this mutation may have a better response to sulfonylureas. However, no sufficient evidence is found to ascertain the role of this particular variant (rs769968875) in neonatal diabetes yet.

Natera, Inc.
Classification: Uncertain significance for Hereditary hyperinsulinism. Last evaluated: 2020-08-14. Review status: no assertion criteria provided. Collection method: clinical testing. Allele origin: germline. Not counted in ClinVar's aggregate classification.

Literature cited by the submitters: PubMed 16885549 (cited by Clinical Genomics, Uppaluri K&H Personalized Medicine Clinic); PubMed 21989597 (cited by Clinical Genomics, Uppaluri K&H Personalized Medicine Clinic); PubMed 27538677 (cited by Clinical Genomics, Uppaluri K&H Personalized Medicine Clinic); PubMed 18981553 (cited by Clinical Genomics, Uppaluri K&H Personalized Medicine Clinic); PubMed 32027066 (cited by Clinical Genomics, Uppaluri K&H Personalized Medicine Clinic); PubMed 16613899 (cited by Clinical Genomics, Uppaluri K&H Personalized Medicine Clinic); PubMed 18025408 (cited by Clinical Genomics, Uppaluri K&H Personalized Medicine Clinic); PubMed 32792356 (cited by Clinical Genomics, Uppaluri K&H Personalized Medicine Clinic).